The following is an entry in ClinVar:

NM_000548.5(TSC2):c.2545A>C (p.Thr849Pro)

Gene: TSC2 (TSC complex subunit 2; plus strand). Cytogenetic location: 16p13.3.
Variant type: single nucleotide variant.
Coding change: c.2545A>C on transcript NM_000548.5 (MANE Select); coding-DNA position 2545, A replaced by C.
Protein change: p.Thr849Pro; replaces threonine 849 with proline.
Molecular consequence: missense variant.
Genome position (GRCh38, 1-based): chr16:2,074,389, A>C. VCF-style: chr16-2074389-A-C. GRCh37 (hg19) VCF-style: chr16-2124390-A-C.
Other names: c.2545A>C, p.Thr849Pro (NM_001077183.3, NM_001114382.3, NM_001363528.2 and 6 more transcripts); c.2434A>C, p.Thr812Pro (NM_001318827.2, NM_001406678.1, NM_001406670.1); c.2398A>C, p.Thr800Pro (NM_001318829.2, NM_001406679.1, NM_001406675.1 and 1 more transcripts); c.1945A>C, p.Thr649Pro (NM_001318831.2, NM_001406680.1, NM_001406682.1 and 6 more transcripts); c.2578A>C, p.Thr860Pro (NM_001318832.2); c.2083A>C, p.Thr695Pro (NM_001406681.1); c.1201A>C, p.Thr401Pro (NM_001406697.1, NM_001406689.1, NM_001406690.1 and 6 more transcripts); c.943A>C, p.Thr315Pro (NM_001406698.1); and 3 more; short protein forms T401P, T845P, T315P, T649P, T800P, T849P, T695P, T812P.
Identifiers: ClinVar variation 2068302 (VCV002068302.4), dbSNP rs781713438, ClinGen allele CA394278047.

ClinVar aggregate classification (germline): Likely pathogenic (1 of 4 stars; one submission).

Conditions:
Tuberous sclerosis 2 (TSC2). Identifiers: Orphanet 805, MedGen C1860707, MONDO:0013199, OMIM 613254.

Submission:

Labcorp Genetics (formerly Invitae), Labcorp
Classification: Likely pathogenic for Tuberous sclerosis 2. Last evaluated: 2022-01-19. Review status: criteria provided, single submitter. Criteria: Invitae Variant Classification Sherloc (09022015). Collection method: clinical testing. Allele origin: germline.
Comment: In summary, the currently available evidence indicates that the variant is pathogenic, but additional data are needed to prove that conclusively. Therefore, this variant has been classified as Likely Pathogenic. Algorithms developed to predict the effect of missense changes on protein structure and function are either unavailable or do not agree on the potential impact of this missense change (SIFT: "Tolerated"; PolyPhen-2: "Possibly Damaging"; Align-GVGD: "Class C0"). This missense change has been observed in individual(s) with clinical features of Tuberous sclerosis complex (Invitae). In at least one individual the variant was observed to be de novo. This variant is not present in population databases (gnomAD no frequency). This sequence change replaces threonine, which is neutral and polar, with proline, which is neutral and non-polar, at codon 849 of the TSC2 protein (p.Thr849Pro).